The following is an entry in ClinVar:

NM_006031.6(PCNT):c.4641T>C (p.Ala1547=)

Gene: PCNT (pericentrin; plus strand). Cytogenetic location: 21q22.3.
Variant type: single nucleotide variant.
Coding change: c.4641T>C on transcript NM_006031.6 (MANE Select); coding-DNA position 4641, T replaced by C.
Protein change: p.Ala1547=; no amino-acid change (alanine 1547 retained).
Molecular consequence: synonymous variant.
Genome position (GRCh38, 1-based): chr21:46,399,646, T>C. VCF-style: chr21-46399646-T-C. GRCh37 (hg19) VCF-style: chr21-47819560-T-C.
Other names: c.4287T>C, p.Ala1429= (NM_001315529.2); c.4641T>C (NM_006031.5).
Identifiers: ClinVar variation 2960885 (VCV002960885.4), dbSNP rs370027289, ClinGen allele CA10079743.

ClinVar aggregate classification (germline): Likely benign. Review status: criteria provided, multiple submitters, no conflicts (2 of 4 stars). 2 submissions from 2 submitters: Likely benign (2). Last evaluated 2025-09-03.

Conditions:
PCNT-related disorder. Also called: PCNT-related condition.

Allele frequency attached by ClinVar (database versions not stated): TOPMed 0.00001; ESP Exome Variant Server 0.00008; gnomAD exomes below 0.00001; ExAC 0.00001; gnomAD 0.00001.
gnomAD v4.1: 3 of 1,613,888 alleles (0.00019%); highest among the groups gnomAD compares: Non-Finnish European, 0.00025%; no homozygotes.

Submissions (2):

PreventionGenetics, part of Exact Sciences
Classification: Likely benign for PCNT-related condition. Last evaluated: 2025-09-03. Review status: criteria provided, single submitter. Criteria: ACMG Guidelines, 2015. Collection method: clinical testing. Allele origin: germline.
Comment: This variant is classified as likely benign based on ACMG/AMP sequence variant interpretation guidelines (Richards et al. 2015 PMID: 25741868, with internal and published modifications).

Labcorp Genetics (formerly Invitae), Labcorp
Classification: Likely benign. Last evaluated: 2024-01-18. Review status: criteria provided, single submitter. Criteria: Invitae Variant Classification Sherloc (09022015). Collection method: clinical testing. Allele origin: germline.